The following is an entry in ClinVar:

NM_001148.6(ANK2):c.7153C>T (p.Pro2385Ser)

Genes: ANK2 (ankyrin 2; plus strand), LOC126807137 (CDK7 strongly-dependent group 2 enhancer GRCh37_chr4:114276560-114277759; plus strand). Cytogenetic location: 4q26.
Variant type: single nucleotide variant.
Coding change: c.7153C>T on transcript NM_001148.6 (MANE Select); coding-DNA position 7153, C replaced by T.
Protein change: p.Pro2385Ser; replaces proline 2385 with serine.
Molecular consequence: missense variant. On other transcripts: intron variant (68).
Genome position (GRCh38, 1-based): chr4:113,355,771, C>T. VCF-style: chr4-113355771-C-T. GRCh37 (hg19) VCF-style: chr4-114276927-C-T.
Other names: c.6919C>T, p.Pro2307Ser (NM_001386142.1); c.3553C>T, p.Pro1185Ser (NM_001386166.1); c.7294C>T, p.Pro2432Ser (NM_001386174.1); c.7270C>T, p.Pro2424Ser (NM_001386175.1); c.4412-5052C>T (NM_001386186.2, NM_001386148.2); c.4214-5052C>T (NM_001354269.3); c.4292-5052C>T (NM_001386187.2); c.4253-5052C>T (NM_001386147.1); and 35 more; short protein forms P2385S, P2424S, P2432S, P1185S, P2307S.
Identifiers: ClinVar variation 576472 (VCV000576472.11), dbSNP rs372362152, ClinGen allele CA3051545.

ClinVar aggregate classification (germline): Conflicting classifications of pathogenicity. Review status: criteria provided, conflicting classifications (1 of 4 stars). 3 submissions from 3 submitters: Uncertain significance (1); Likely benign (2). Last evaluated 2025-07-15.

Conditions:
Long QT syndrome (LQTS). Identifiers: MedGen C0023976, MeSH D008133, MONDO:0002442. Disease mechanism: loss of function. Inheritance: Various modes of inheritance.
Cardiovascular phenotype. Identifiers: MedGen CN230736.

Allele frequency attached by ClinVar (database versions not stated): ExAC 0.00003; gnomAD exomes 0.00003; TOPMed 0.00004; gnomAD 0.00005; ESP Exome Variant Server 0.00008.
gnomAD v4.1: 61 of 1,613,984 alleles (0.0038%); highest among the groups gnomAD compares: African/African-American, 0.0067%; no homozygotes.

Submissions (3):

Labcorp Genetics (formerly Invitae), Labcorp
Classification: Uncertain significance for Long QT syndrome. Last evaluated: 2025-07-15. Review status: criteria provided, single submitter. Criteria: Invitae Variant Classification Sherloc (09022015). Collection method: clinical testing. Allele origin: germline.
Comment: This sequence change replaces proline, which is neutral and non-polar, with serine, which is neutral and polar, at codon 2385 of the ANK2 protein (p.Pro2385Ser). This variant is present in population databases (rs372362152, gnomAD 0.007%). This variant has not been reported in the literature in individuals affected with ANK2-related conditions. ClinVar contains an entry for this variant (Variation ID: 576472). An algorithm developed to predict the effect of missense changes on protein structure and function outputs the following: PolyPhen-2: "Benign". The serine amino acid residue is found in multiple mammalian species, which suggests that this missense change does not adversely affect protein function. In summary, the available evidence is currently insufficient to determine the role of this variant in disease. Therefore, it has been classified as a Variant of Uncertain Significance.

Ambry Genetics
Classification: Likely benign for Cardiovascular phenotype. Last evaluated: 2019-03-15. Review status: criteria provided, single submitter. Criteria: Ambry Variant Classification Scheme 2023. Collection method: clinical testing. Allele origin: germline.

Women's Health and Genetics/Laboratory Corporation of America, LabCorp
Classification: Likely benign. Last evaluated: 2018-04-16. Review status: criteria provided, single submitter. Criteria: LabCorp Variant Classification Summary - May 2015. Collection method: clinical testing. Allele origin: germline.
Comment: Variant summary: ANK2 c.7153C>T (p.Pro2385Ser) results in a non-conservative amino acid change in the encoded protein sequence. Four of five in-silico tools predict a benign effect of the variant on protein function. The variant allele was found at a frequency of 3.6e-05 in 276316 control chromosomes. The observed variant frequency is approximately 3.62 fold of the estimated maximal expected allele frequency for a pathogenic variant in ANK2 causing Arrhythmia phenotype (1e-05), strongly suggesting that the variant is benign. To our knowledge, no occurrence of c.7153C>T in individuals affected with Arrhythmia and no experimental evidence demonstrating its impact on protein function have been reported. No clinical diagnostic laboratories have submitted clinical-significance assessments for this variant to ClinVar after 2014. Based on the evidence outlined above, the variant was classified as likely benign.